The following is an entry in ClinVar:

ClinVar aggregate classification (germline): Uncertain significance (1 of 4 stars; one submission).

Submission:

GeneDx
Classification: Uncertain significance. Last evaluated: 2022-06-16. Review status: criteria provided, single submitter. Criteria: GeneDx Variant Classification Process June 2021. Collection method: clinical testing. Allele origin: germline. Affected: yes.
Comment: Not observed at significant frequency in large population cohorts (gnomAD); In silico analysis supports that this missense variant has a deleterious effect on protein structure/function; Has not been previously published as pathogenic or benign to our knowledge

NM_001961.4(EEF2):c.41A>C (p.Asp14Ala)

Gene: EEF2 (eukaryotic translation elongation factor 2; minus strand). Cytogenetic location: 19p13.3.
Variant type: single nucleotide variant.
Coding change: c.41A>C on transcript NM_001961.4 (MANE Select); coding-DNA position 41, A replaced by C.
Protein change: p.Asp14Ala; replaces aspartic acid 14 with alanine.
Molecular consequence: missense variant.
Genome position (GRCh38, 1-based): chr19:3,984,313, T>G on the plus strand (A>C on the coding strand, the complement: EEF2 is on the minus strand). VCF-style: chr19-3984313-T-G. GRCh37 (hg19) VCF-style: chr19-3984311-T-G.
Other names: short protein forms D14A.
Identifiers: ClinVar variation 1804445 (VCV001804445.1), dbSNP rs747080912, ClinGen allele CA403395794.